The following is an entry in ClinVar:

ClinVar aggregate classification (germline): Uncertain significance (1 of 4 stars; one submission).

gnomAD v4.1: 1 of 1,613,926 alleles (0.000062%); highest among the groups gnomAD compares: African/African-American, 0.0013%; no homozygotes.

Submission:

Women's Health and Genetics/Laboratory Corporation of America, LabCorp
Classification: Uncertain significance. Last evaluated: 2023-09-11. Review status: criteria provided, single submitter. Criteria: LabCorp Variant Classification Summary - May 2015. Collection method: clinical testing. Allele origin: germline.
Comment: Variant summary: SASH1 c.1097C>A (p.Pro366His) results in a non-conservative amino acid change in the encoded protein sequence. Three of five in-silico tools predict a damaging effect of the variant on protein function. The variant was absent in 250174 control chromosomes. The available data on variant occurrences in the general population are insufficient to allow any conclusion about variant significance. To our knowledge, no occurrence of c.1097C>A in individuals affected with SASH1-Related Disorders and no experimental evidence demonstrating its impact on protein function have been reported. No submitters have cited clinical-significance assessments for this variant to ClinVar after 2014. Based on the evidence outlined above, the variant was classified as uncertain significance.

NM_015278.5(SASH1):c.1097C>A (p.Pro366His)

Gene: SASH1 (SAM and SH3 domain containing 1; plus strand). Cytogenetic location: 6q25.1.
Variant type: single nucleotide variant.
Coding change: c.1097C>A on transcript NM_015278.5 (MANE Select); coding-DNA position 1097, C replaced by A.
Protein change: p.Pro366His; replaces proline 366 with histidine.
Molecular consequence: missense variant.
Genome position (GRCh38, 1-based): chr6:148,519,781, C>A. VCF-style: chr6-148519781-C-A. GRCh37 (hg19) VCF-style: chr6-148840917-C-A.
Other names: c.962C>A, p.Pro321His (NM_001346505.2); c.725C>A, p.Pro242His (NM_001346506.2); c.380C>A, p.Pro127His (NM_001346507.2, NM_001346508.2); c.257C>A, p.Pro86His (NM_001346509.2); short protein forms P127H, P242H, P321H, P366H, P86H.
Identifiers: ClinVar variation 2627186 (VCV002627186.1), dbSNP rs200436832, ClinGen allele CA365987884.